The following is an entry in ClinVar:

ClinVar aggregate classification (germline): Pathogenic (1 of 4 stars; one submission).

Conditions:
Fabry disease. Also called: ALPHA-GALACTOSIDASE A DEFICIENCY; ANDERSON-FABRY DISEASE; CERAMIDE TRIHEXOSIDASE DEFICIENCY; GLA DEFICIENCY; HEREDITARY DYSTOPIC LIPIDOSIS; Angiokeratoma corporis diffusum. Identifiers: Orphanet 324, MedGen C0002986, MONDO:0010526, OMIM 301500, HP:0001071. Disease mechanism: Fabry disease is due to inactivating mutations in the X-linked GLA gene resulting in deficiency of the enzyme Alpha Galactosidase-A., loss of function.

Submission:

Genomenon, Inc
Classification: Pathogenic for Fabry disease. Last evaluated: 2026-09-08. Review status: criteria provided, single submitter. Criteria: Genomenon Sequence Variant Interpretation Standards - Updated. Collection method: curation. Allele origin: germline. Affected: yes.
Comment: GLA p.Gly80AlafsTer41 (c.237del) is a frameshift variant that is predicted to introduce a premature termination codon and result in a truncated or absent protein product. This variant has been observed in at least one proband with clinical features consistent with Fabry disease (PMID:31770509). Functional or patient cell studies have been reported (PMID:31770509). It is absent or not present at a significant frequency in gnomAD. In conclusion, we classify GLA p.Gly80AlafsTer41 (c.237del) as a pathogenic variant.

Literature cited by the submitters: PubMed 31770509.

NM_000169.3(GLA):c.237del (p.Gly80fs)

Genes: GLA (galactosidase alpha; minus strand), RPL36A-HNRNPH2 (RPL36A-HNRNPH2 readthrough; plus strand). Cytogenetic location: Xq22.1.
Variant type: Deletion.
Coding change: c.237del on transcript NM_000169.3 (MANE Select); coding-DNA position 237, one base deleted (A; older notation c.237delA).
Protein change: p.Gly80fs; shifts the reading frame from glycine 80.
Molecular consequence: frameshift variant. On other transcripts: non-coding transcript variant (3), intron variant (2).
Genome position (GRCh38, 1-based): chrX:101,403,943, T deleted on the plus strand (A on the coding strand, the reverse complement: GLA is on the minus strand); the first of 2 consecutive T bases (chrX:101,403,943-101,403,944); deleting either gives the same sequence. VCF-style (leftmost placement, unchanged base first): chrX-101403942-CT-C. GRCh37 (hg19) VCF-style: chrX-100658930-CT-C.
Other names: c.360del, p.Gly121fs (NM_001406747.1, NM_001406749.1); c.237del, p.Gly80fs (NM_001406748.1); c.301-7992del (NM_001199973.2); c.178-7992del (NM_001199974.2); short protein forms G121fs, G80fs.
Identifiers: ClinVar variation 4086934 (VCV004086934.2).